The following is an entry in ClinVar:

NM_001943.5(DSG2):c.2504C>T (p.Thr835Ile)

Genes: DSG2 (desmoglein 2; plus strand), DSG2-AS1 (DSG2 antisense RNA 1; minus strand). Cytogenetic location: 18q12.1.
Variant type: single nucleotide variant.
Coding change: c.2504C>T on transcript NM_001943.5 (MANE Select); coding-DNA position 2504, C replaced by T.
Protein change: p.Thr835Ile; replaces threonine 835 with isoleucine.
Molecular consequence: missense variant. On other transcripts: non-coding transcript variant (1).
Genome position (GRCh38, 1-based): chr18:31,545,890, C>T. VCF-style: chr18-31545890-C-T. GRCh37 (hg19) VCF-style: chr18-29125853-C-T.
Other names: short protein forms T835I.
Identifiers: ClinVar variation 1792291 (VCV001792291.2), dbSNP rs1000253943, ClinGen allele CA297701950.

ClinVar aggregate classification (germline): Uncertain significance (1 of 4 stars; one submission).

Conditions:
Cardiovascular phenotype. Identifiers: MedGen CN230736.

Allele frequency attached by ClinVar (database versions not stated): gnomAD exomes below 0.00001; TOPMed 0.00001; gnomAD 0.00003.
gnomAD v4.1: 7 of 1,613,974 alleles (0.00043%); highest among the groups gnomAD compares: African/African-American, 0.0053%; no homozygotes.

Submission:

Ambry Genetics
Classification: Uncertain significance for Cardiovascular phenotype. Last evaluated: 2022-02-08. Review status: criteria provided, single submitter. Criteria: Ambry Variant Classification Scheme 2023. Collection method: clinical testing. Allele origin: germline.
Comment: The p.T835I variant (also known as c.2504C>T), located in coding exon 15 of the DSG2 gene, results from a C to T substitution at nucleotide position 2504. The threonine at codon 835 is replaced by isoleucine, an amino acid with similar properties. This amino acid position is conserved. In addition, the in silico prediction for this alteration is inconclusive. Since supporting evidence is limited at this time, the clinical significance of this alteration remains unclear.